The following is an entry in ClinVar:

NM_020379.4(MAN1C1):c.1245C>T (p.Tyr415=)

Gene: MAN1C1 (mannosidase alpha class 1C member 1; plus strand). Cytogenetic location: 1p36.11.
Variant type: single nucleotide variant.
Coding change: c.1245C>T on transcript NM_020379.4 (MANE Select); coding-DNA position 1245, C replaced by T.
Protein change: p.Tyr415=; no amino-acid change (tyrosine 415 retained).
Molecular consequence: synonymous variant.
Genome position (GRCh38, 1-based): chr1:25,771,760, C>T. VCF-style: chr1-25771760-C-T. GRCh37 (hg19) VCF-style: chr1-26098251-C-T.
Other names: c.1245C>T, p.Tyr415= (NM_001289010.2); c.1347C>T, p.Tyr449= (NM_001385182.1); c.1317C>T, p.Tyr439= (NM_001385183.1); c.741C>T, p.Tyr247= (NM_001385184.1); c.558C>T, p.Tyr186= (NM_001385185.1).
Identifiers: ClinVar variation 3051149 (VCV003051149.2), dbSNP rs573023765, ClinGen allele CA696203.

ClinVar aggregate classification (germline): Likely benign (0 of 4 stars; one submission).

Conditions:
MAN1C1-related disorder. Also called: MAN1C1-related condition.

Allele frequency attached by ClinVar (database versions not stated): gnomAD 0.00005; TOPMed 0.00006; ExAC 0.00010.
gnomAD v4.1: 75 of 1,612,964 alleles (0.0046%); highest among the groups gnomAD compares: Middle Eastern, 0.33%; no homozygotes.

Submission:

PreventionGenetics, part of Exact Sciences
Classification: Likely benign for MAN1C1-related condition. Last evaluated: 2020-01-09. Review status: no assertion criteria provided. Collection method: clinical testing. Allele origin: germline.
Comment: This variant is classified as likely benign based on ACMG/AMP sequence variant interpretation guidelines (Richards et al. 2015 PMID: 25741868, with internal and published modifications).